The following is an entry in ClinVar:

ClinVar aggregate classification (germline): Likely benign. Review status: criteria provided, single submitter (1 of 4 stars). 2 submissions from 2 submitters: Likely benign (1). 1 of the submissions does not count toward it. Last evaluated 2024-11-26.

Conditions:
GON4L-related disorder. Also called: GON4L-related condition.

Allele frequency attached by ClinVar (database versions not stated): gnomAD exomes 0.00038; ExAC 0.00101; ESP Exome Variant Server 0.00131; TOPMed 0.00173; gnomAD 0.00138; 1000 Genomes Project 30x 0.00141; 1000 Genomes Project 0.00160.
gnomAD v4.1: 763 of 1,613,984 alleles (0.047%); highest among the groups gnomAD compares: Admixed American, 0.36%; 4 homozygotes.

Submissions (2):

Blueprint Genetics
Classification: Likely benign. Last evaluated: 2024-11-26. Review status: criteria provided, single submitter. Criteria: ACMG Guidelines, 2015. Collection method: clinical testing. Allele origin: germline.

PreventionGenetics, part of Exact Sciences
Classification: Likely benign for GON4L-related condition. Last evaluated: 2019-03-05. Review status: no assertion criteria provided. Collection method: clinical testing. Allele origin: germline. Not counted in ClinVar's aggregate classification.
Comment: This variant is classified as likely benign based on ACMG/AMP sequence variant interpretation guidelines (Richards et al. 2015 PMID: 25741868, with internal and published modifications).

NM_001282860.2(GON4L):c.3006G>A (p.Lys1002=)

Gene: GON4L (gon-4 like; minus strand). Cytogenetic location: 1q22.
Variant type: single nucleotide variant.
Coding change: c.3006G>A on transcript NM_001282860.2 (MANE Select); coding-DNA position 3006, G replaced by A.
Protein change: p.Lys1002=; no amino-acid change (lysine 1002 retained).
Molecular consequence: synonymous variant.
Genome position (GRCh38, 1-based): chr1:155,766,467, C>T on the plus strand (G>A on the coding strand, the complement: GON4L is on the minus strand). VCF-style: chr1-155766467-C-T. GRCh37 (hg19) VCF-style: chr1-155736258-C-T.
Other names: c.3006G>A, p.Lys1002= (NM_001282856.2, NM_001282858.2, NM_001282861.2 and 1 more transcripts).
Identifiers: ClinVar variation 3045111 (VCV003045111.3), dbSNP rs61745601, ClinGen allele CA1150695.